The following is an entry in ClinVar:

ClinVar aggregate classification (germline): Likely pathogenic (1 of 4 stars; one submission).

Conditions:
Retinitis pigmentosa 2 (RP2). Also called: Retinitis pigmentosa 2, X linked. Identifiers: Orphanet 791, MedGen C2681923, MONDO:0010723, OMIM 312600.

Submission:

MAGI'S LAB - Medical Genetics Laboratory, MAGI GROUP
Classification: Likely pathogenic for Retinitis pigmentosa 2. Last evaluated: 2024-11-29. Review status: criteria provided, single submitter. Criteria: ACMG Guidelines, 2015. Collection method: clinical testing. Allele origin: maternal. Inheritance: X-linked inheritance. Affected: yes. Observed: 1 hemizygote.
Comment: The variant has been classified as likely pathogenic according to the ACMG criteria: PVS1, PM2.

NM_006915.3(RP2):c.277del (p.Leu93fs)

Gene: RP2 (RP2 activator of ARL3 GTPase; plus strand). Cytogenetic location: Xp11.3.
Variant type: Deletion.
Coding change: c.277del on transcript NM_006915.3 (MANE Select); coding-DNA position 277, one base deleted (C; older notation c.277delC).
Protein change: p.Leu93fs; shifts the reading frame from leucine 93.
Molecular consequence: frameshift variant.
Genome position (GRCh38, 1-based): chrX:46,853,650, C deleted. VCF-style (leftmost placement, unchanged base first): chrX-46853649-TC-T. GRCh37 (hg19) VCF-style: chrX-46713084-TC-T.
Other names: short protein forms L93fs.
Identifiers: ClinVar variation 3767286 (VCV003767286.2).